The following is an entry in ClinVar:

ClinVar aggregate classification (germline): Pathogenic (1 of 4 stars; one submission).

Submission:

ISCA Site 6
Classification: Pathogenic. Last evaluated: 2011-08-12. Review status: criteria provided, single submitter. Criteria: Kaminsky et al. (Genet Med. 2011). Collection method: clinical testing. Allele origin: unknown. Affected: yes. Observed: 1 variant allele.
Comment: Copy number variation identified through the course of routine clinical cytogenomic testing in postnatal populations. Clinical assertions have been curated as described in Kaminsky et al. 2011.

GRCh38/hg38 6p25.3-25.1(chr6:164633-6284237)x1

Genes: BPHL (biphenyl hydrolase like; plus strand), C6orf201 (chromosome 6 open reading frame 201; plus strand), CDYL (chromodomain Y like; plus strand), CDYL-AS1 (CDYL antisense RNA 1; minus strand), DUSP22 (dual specificity phosphatase 22; plus strand) and 308 more. Cytogenetic location: 6p25.3-25.1.
Variant type: copy number loss.
Change: copy number 1 (one copy instead of two) of chr6:164,633-6,284,237 (6.12 Mb, GRCh38 coordinates, 1-based), cytogenetic band 6p25.3-25.1.
Identifiers: ClinVar variation 58409 (VCV000058409.2).